The following is an entry in ClinVar:

ClinVar aggregate classification (germline): Uncertain significance (1 of 4 stars; one submission).

Conditions:
Hereditary spastic paraplegia 11. Also called: SPASTIC PARAPLEGIA, AUTOSOMAL RECESSIVE, COMPLICATED, WITH THIN CORPUS CALLOSUM; SPASTIC PARAPLEGIA, AUTOSOMAL RECESSIVE, WITH MENTAL IMPAIRMENT AND THIN CORPUS CALLOSUM; Spastic Paraplegia 11; Nakamura Osame syndrome; Autosomal recessive hereditary spastic paraplegia, mental impairment, and thin corpus callosum; Spastic paraplegia, mental retardation and thin corpus callosum. Identifiers: Orphanet 2822, MedGen C1858479, MONDO:0011445, OMIM 604360.

Allele frequency attached by ClinVar (database versions not stated): gnomAD 0.00001; TOPMed 0.00002.
gnomAD v4.1: 8 of 1,611,746 alleles (0.0005%); highest among the groups gnomAD compares: African/African-American, 0.0027%; no homozygotes.

Submission:

Labcorp Genetics (formerly Invitae), Labcorp
Classification: Uncertain significance for Hereditary spastic paraplegia 11. Last evaluated: 2021-10-24. Review status: criteria provided, single submitter. Criteria: Invitae Variant Classification Sherloc (09022015). Collection method: clinical testing. Allele origin: germline.
Comment: This sequence change falls in intron 22 of the SPG11 gene. It does not directly change the encoded amino acid sequence of the SPG11 protein. It affects a nucleotide within the consensus splice site of the intron. This variant is not present in population databases (ExAC no frequency). This variant has not been reported in the literature in individuals affected with SPG11-related conditions. Variants that disrupt the consensus splice site are a relatively common cause of aberrant splicing (PMID: 17576681, 9536098). Algorithms developed to predict the effect of sequence changes on RNA splicing suggest that this variant may disrupt the consensus splice site. In summary, the available evidence is currently insufficient to determine the role of this variant in disease. Therefore, it has been classified as a Variant of Uncertain Significance.

Literature cited by the submitters: PubMed 17576681; PubMed 9536098.

NM_025137.4(SPG11):c.3893-3C>T

Gene: SPG11 (SPG11 vesicle trafficking associated, spatacsin; minus strand). Cytogenetic location: 15q21.1.
Variant type: single nucleotide variant.
Coding change: c.3893-3C>T on transcript NM_025137.4 (MANE Select); 3 bases into the intron before coding-DNA position 3893, C replaced by T.
Molecular consequence: intron variant.
Genome position (GRCh38, 1-based): chr15:44,598,376, G>A on the plus strand (C>T on the coding strand, the complement: SPG11 is on the minus strand). VCF-style: chr15-44598376-G-A. GRCh37 (hg19) VCF-style: chr15-44890574-G-A.
Other names: c.3893-3C>T (NM_001160227.2).
Identifiers: ClinVar variation 952857 (VCV000952857.5), dbSNP rs958984875, ClinGen allele CA270092599.
Genomic context (GRCh38, chr15:44,598,376, plus strand): 5'-ACAAGCAATTCTTCTGTGGTTGTCTTTTCACCATCAGCTAGTTTAGATAGTTTTTCGGCT[G>A]TAAGAAATATAAACAACAAAATATGGTGAAGAGAAAAAGTCAAAACCTGAGCATTTCTGT-3'